The following is an entry in ClinVar:

ClinVar aggregate classification (germline): Uncertain significance (1 of 4 stars; one submission).

Conditions:
Agammaglobulinemia 4, autosomal recessive (AGM4). Also called: B cell linker protein deficiency; AGAMMAGLOBULINEMIA, AUTOSOMAL RECESSIVE, DUE TO BLNK DEFECT. Identifiers: MedGen C3150752, MONDO:0013289, OMIM 613502.

Submission:

Labcorp Genetics (formerly Invitae), Labcorp
Classification: Uncertain significance for Agammaglobulinemia 4, autosomal recessive. Last evaluated: 2023-12-30. Review status: criteria provided, single submitter. Criteria: Invitae Variant Classification Sherloc (09022015). Collection method: clinical testing. Allele origin: germline.
Comment: This sequence change replaces aspartic acid, which is acidic and polar, with valine, which is neutral and non-polar, at codon 174 of the BLNK protein (p.Asp174Val). This variant is not present in population databases (gnomAD no frequency). This variant has not been reported in the literature in individuals affected with BLNK-related conditions. Advanced modeling of protein sequence and biophysical properties (such as structural, functional, and spatial information, amino acid conservation, physicochemical variation, residue mobility, and thermodynamic stability) performed at Invitae indicates that this missense variant is not expected to disrupt BLNK protein function with a negative predictive value of 80%. In summary, the available evidence is currently insufficient to determine the role of this variant in disease. Therefore, it has been classified as a Variant of Uncertain Significance.

NM_013314.4(BLNK):c.521A>T (p.Asp174Val)

Gene: BLNK (B cell linker; minus strand). Cytogenetic location: 10q24.1.
Variant type: single nucleotide variant.
Coding change: c.521A>T on transcript NM_013314.4 (MANE Select); coding-DNA position 521, A replaced by T.
Protein change: p.Asp174Val; replaces aspartic acid 174 with valine.
Molecular consequence: missense variant. On other transcripts: non-coding transcript variant (1), intron variant (1).
Genome position (GRCh38, 1-based): chr10:96,223,830, T>A on the plus strand (A>T on the coding strand, the complement: BLNK is on the minus strand). VCF-style: chr10-96223830-T-A. GRCh37 (hg19) VCF-style: chr10-97983586-T-A.
Other names: c.521A>T, p.Asp174Val (NM_001114094.2, NM_001258440.2, NM_001258441.2); c.349+3592A>T (NM_001258442.2); short protein forms D174V.
Identifiers: ClinVar variation 2706634 (VCV002706634.3), dbSNP rs2492932276, ClinGen allele CA377724274.